The following is an entry in ClinVar:

NM_003482.4(KMT2D):c.4608C>T (p.Ser1536=)

Gene: KMT2D (lysine methyltransferase 2D; minus strand). Cytogenetic location: 12q13.12.
Variant type: single nucleotide variant.
Coding change: c.4608C>T on transcript NM_003482.4 (MANE Select); coding-DNA position 4608, C replaced by T.
Protein change: p.Ser1536=; no amino-acid change (serine 1536 retained).
Molecular consequence: synonymous variant.
Genome position (GRCh38, 1-based): chr12:49,046,150, G>A on the plus strand (C>T on the coding strand, the complement: KMT2D is on the minus strand). VCF-style: chr12-49046150-G-A. GRCh37 (hg19) VCF-style: chr12-49439933-G-A.
Identifiers: ClinVar variation 5040564 (VCV005040564.1).

ClinVar aggregate classification (germline): Likely benign (1 of 4 stars; one submission).

gnomAD v4.1: 6 of 1,611,344 alleles (0.00037%); highest among the groups gnomAD compares: South Asian, 0.0033%; no homozygotes.

Submission:

CeGaT Center for Human Genetics Tuebingen
Classification: Likely benign. Last evaluated: 2026-08-01. Review status: criteria provided, single submitter. Criteria: CeGaT Center For Human Genetics Tuebingen Variant Classification Criteria Version 2. Collection method: clinical testing. Allele origin: germline. Affected: yes. Observed: 1 variant allele.
Comment: KMT2D: BP4, BS2